The following is an entry in ClinVar:

NM_001009944.3(PKD1):c.9569-1G>T

Gene: PKD1 (polycystin 1, transient receptor potential channel interacting; minus strand). Cytogenetic location: 16p13.3.
Variant type: single nucleotide variant.
Coding change: c.9569-1G>T on transcript NM_001009944.3 (MANE Select); the canonical splice acceptor site of the intron before coding-DNA position 9569, G replaced by T.
Molecular consequence: splice acceptor variant.
Genome position (GRCh38, 1-based): chr16:2,100,310, C>A on the plus strand (G>T on the coding strand, the complement: PKD1 is on the minus strand). VCF-style: chr16-2100310-C-A. GRCh37 (hg19) VCF-style: chr16-2150311-C-A.
Other names: c.9569-1G>T (NM_000296.4).
Identifiers: ClinVar variation 3383037 (VCV003383037.2).
Genomic context (GRCh38, chr16:2,100,310, plus strand): 5'-TGCGTGCCGTCTGCAGGTCCCTGACGATGACGTGCTGCAGGAACCAGGCAGGGCTGAGCC[C>A]TGCAGAGGCGCAGGAGGGAGGTCAGGCTCGCAGGGCGCCCCAATGCGGGGGCAGAGGGGC-3'

ClinVar aggregate classification (germline): Likely pathogenic (1 of 4 stars; one submission).

Conditions:
Polycystic kidney disease, adult type (PKD1). Also called: POLYCYSTIC KIDNEY DISEASE, ADULT, TYPE I; Polycystic Kidney Disease 1, Autosomal Dominant; Polycystic kidney disease 1; Polycystic kidney disease 1, severe; Polycystic Kidney, Autosomal Dominant; POLYCYSTIC KIDNEY DISEASE 1 WITH OR WITHOUT POLYCYSTIC LIVER DISEASE. Identifiers: MedGen C3149841, MONDO:0008263, OMIM 173900.

Submission:

Juno Genomics, Hangzhou Juno Genomics, Inc
Classification: Likely pathogenic for Polycystic kidney disease, adult type. Review status: criteria provided, single submitter. Criteria: ACMG Guidelines, 2015. Collection method: clinical testing. Allele origin: germline. Affected: yes.
Comment: Null variant in a gene where loss of function (LOF) is a known mechanism of disease.;Absent from controls (or at extremely low frequency if recessive) in Genome Aggregation Database, Exome Sequencing Project, 1000 Genomes Project, or Exome Aggregation Consortium.;Patient's phenotype or family history is highly specific for a disease with a single genetic etiology.